The following is an entry in ClinVar:

NM_033305.3(VPS13A):c.8302del (p.Tyr2768fs)

Gene: VPS13A (vacuolar protein sorting 13 homolog A; plus strand). Cytogenetic location: 9q21.2.
Variant type: Deletion.
Coding change: c.8302del on transcript NM_033305.3 (MANE Select); coding-DNA position 8302, one base deleted (T; older notation c.8302delT).
Protein change: p.Tyr2768fs; shifts the reading frame from tyrosine 2768.
Molecular consequence: frameshift variant.
Genome position (GRCh38, 1-based): chr9:77,365,550, T deleted. VCF-style (leftmost placement, unchanged base first): chr9-77365549-AT-A. GRCh37 (hg19) VCF-style: chr9-79980465-AT-A.
Other names: c.8185del, p.Tyr2729fs (NM_001018037.2); c.8302del, p.Tyr2768fs (NM_001018038.3, NM_015186.4); short protein forms Y2729fs, Y2768fs.
Identifiers: ClinVar variation 2745056 (VCV002745056.3), dbSNP rs2538180852, ClinGen allele CA2697557835.

ClinVar aggregate classification (germline): Pathogenic (1 of 4 stars; one submission).

Submission:

Labcorp Genetics (formerly Invitae), Labcorp
Classification: Pathogenic. Last evaluated: 2023-07-19. Review status: criteria provided, single submitter. Criteria: Invitae Variant Classification Sherloc (09022015). Collection method: clinical testing. Allele origin: germline.
Comment: This variant is not present in population databases (gnomAD no frequency). For these reasons, this variant has been classified as Pathogenic. This variant has not been reported in the literature in individuals affected with VPS13A-related conditions. This sequence change creates a premature translational stop signal (p.Tyr2768Ilefs*11) in the VPS13A gene. It is expected to result in an absent or disrupted protein product. Loss-of-function variants in VPS13A are known to be pathogenic (PMID: 12404112, 21598378).

Literature cited by the submitters: PubMed 12404112; PubMed 21598378.